The following is an entry in ClinVar:

NM_001367624.2(ZNF469):c.790C>A (p.Pro264Thr)

Gene: ZNF469 (zinc finger protein 469; plus strand). Cytogenetic location: 16q24.2.
Variant type: single nucleotide variant.
Coding change: c.790C>A on transcript NM_001367624.2 (MANE Select); coding-DNA position 790, C replaced by A.
Protein change: p.Pro264Thr; replaces proline 264 with threonine.
Molecular consequence: missense variant.
Genome position (GRCh38, 1-based): chr16:88,428,260, C>A. VCF-style: chr16-88428260-C-A. GRCh37 (hg19) VCF-style: chr16-88494668-C-A.
Other names: NM_001127464.1:c.790C>A; short protein forms P264T.
Identifiers: ClinVar variation 1420058 (VCV001420058.8), dbSNP rs1905842865, ClinGen allele CA397061960.

ClinVar aggregate classification (germline): Uncertain significance. Review status: criteria provided, multiple submitters, no conflicts (2 of 4 stars). 2 submissions from 2 submitters: Uncertain significance (2). Last evaluated 2022-10-09.

Conditions:
Cardiovascular phenotype. Identifiers: MedGen CN230736.

gnomAD v4.1: 2 of 1,550,390 alleles (0.00013%); highest among the groups gnomAD compares: Non-Finnish European, 0.000087%; no homozygotes.

Submissions (2):

Ambry Genetics
Classification: Uncertain significance for Cardiovascular phenotype. Last evaluated: 2022-10-09. Review status: criteria provided, single submitter. Criteria: Ambry Variant Classification Scheme 2023. Collection method: clinical testing. Allele origin: germline.
Comment: The p.P264T variant (also known as c.790C>A), located in coding exon 1 of the ZNF469 gene, results from a C to A substitution at nucleotide position 790. The proline at codon 264 is replaced by threonine, an amino acid with highly similar properties. This amino acid position is conserved. In addition, this alteration is predicted to be tolerated by in silico analysis. Since supporting evidence is limited at this time, the clinical significance of this alteration remains unclear.

Labcorp Genetics (formerly Invitae), Labcorp
Classification: Uncertain significance. Last evaluated: 2021-10-10. Review status: criteria provided, single submitter. Criteria: Invitae Variant Classification Sherloc (09022015). Collection method: clinical testing. Allele origin: germline.
Comment: In summary, the available evidence is currently insufficient to determine the role of this variant in disease. Therefore, it has been classified as a Variant of Uncertain Significance. Algorithms developed to predict the effect of missense changes on protein structure and function are either unavailable or do not agree on the potential impact of this missense change (SIFT: "Deleterious"; PolyPhen-2: "Probably Damaging"; Align-GVGD: "Class C0"). This variant has not been reported in the literature in individuals affected with ZNF469-related conditions. This variant is not present in population databases (ExAC no frequency). This sequence change replaces proline with threonine at codon 264 of the ZNF469 protein (p.Pro264Thr). The proline residue is weakly conserved and there is a small physicochemical difference between proline and threonine.